The following is an entry in ClinVar:

ClinVar aggregate classification (germline): Benign/Likely benign. Review status: criteria provided, multiple submitters, no conflicts (2 of 4 stars). 5 submissions from 5 submitters: Benign (1); Likely benign (2). 2 of the submissions do not count toward it. Last evaluated 2026-01-28.

Conditions:
T-B+ severe combined immunodeficiency due to JAK3 deficiency. Also called: SCID, T CELL-NEGATIVE, B CELL-POSITIVE, NK CELL-NEGATIVE; SCID, autosomal recessive, T-negative/B-positive type. Identifiers: Orphanet 35078, MedGen C1833275, MONDO:0010938, OMIM 600802.

Allele frequency attached by ClinVar (database versions not stated): ESP Exome Variant Server 0.00015; gnomAD 0.00026 and 0.00038; TOPMed 0.00039; 1000 Genomes Project 30x 0.00047; gnomAD exomes 0.00048 and 0.00082; 1000 Genomes Project 0.00060; ExAC 0.00089.
gnomAD v4.1: 786 of 1,614,118 alleles (0.049%); highest among the groups gnomAD compares: South Asian, 0.5%; 3 homozygotes.

Submissions (5):

Labcorp Genetics (formerly Invitae), Labcorp
Classification: Benign for T-B+ severe combined immunodeficiency due to JAK3 deficiency. Last evaluated: 2026-01-28. Review status: criteria provided, single submitter. Criteria: Invitae Variant Classification Sherloc (09022015). Collection method: clinical testing. Allele origin: germline.

Blueprint Genetics
Classification: Likely benign. Last evaluated: 2024-11-18. Review status: criteria provided, single submitter. Criteria: ACMG Guidelines, 2015. Collection method: clinical testing. Allele origin: germline.

Illumina Laboratory Services, Illumina
Classification: Likely benign for T-B+ severe combined immunodeficiency due to JAK3 deficiency. Last evaluated: 2018-01-12. Review status: criteria provided, single submitter. Criteria: ICSL Variant Classification Criteria 13 December 2019. Collection method: clinical testing. Allele origin: germline.
Comment: This variant was observed in the ICSL laboratory as part of a predisposition screen in an ostensibly healthy population. It had not been previously curated by ICSL or reported in the Human Gene Mutation Database (HGMD: prior to June 1st, 2018), and was therefore a candidate for classification through an automated scoring system. Utilizing variant allele frequency, disease prevalence and penetrance estimates, and inheritance mode, an automated score was calculated to assess if this variant is too frequent to cause the disease. Based on the score and internal cut-off values, a variant classified as likely benign is not then subjected to further curation. The score for this variant resulted in a classification of likely benign for this disease.

Clinical Genetics DNA and cytogenetics Diagnostics Lab, Erasmus MC, Erasmus Medical Center
Classification: Likely benign. Review status: no assertion criteria provided. Collection method: clinical testing. Allele origin: germline. Affected: yes. Study: VKGL Data-share Consensus. Not counted in ClinVar's aggregate classification.

Genome Diagnostics Laboratory, University Medical Center Utrecht
Classification: Likely benign. Review status: no assertion criteria provided. Collection method: clinical testing. Allele origin: germline. Affected: yes. Study: VKGL Data-share Consensus. Not counted in ClinVar's aggregate classification.

NM_000215.4(JAK3):c.2235G>A (p.Pro745=)

Gene: JAK3 (Janus kinase 3; minus strand). Cytogenetic location: 19p13.11.
Variant type: single nucleotide variant.
Coding change: c.2235G>A on transcript NM_000215.4 (MANE Select); coding-DNA position 2235, G replaced by A.
Protein change: p.Pro745=; no amino-acid change (proline 745 retained).
Molecular consequence: synonymous variant.
Genome position (GRCh38, 1-based): chr19:17,834,686, C>T on the plus strand (G>A on the coding strand, the complement: JAK3 is on the minus strand). VCF-style: chr19-17834686-C-T. GRCh37 (hg19) VCF-style: chr19-17945495-C-T.
Identifiers: ClinVar variation 703296 (VCV000703296.19), dbSNP rs149207170, ClinGen allele CA9301640.